The following is an entry in ClinVar:

ClinVar aggregate classification (germline): Uncertain significance (1 of 4 stars; one submission).

Allele frequency attached by ClinVar (database versions not stated): gnomAD exomes 0.00001; TOPMed 0.00001; gnomAD 0.00002.
gnomAD v4.1: 5 of 1,303,032 alleles (0.00038%); highest among the groups gnomAD compares: African/African-American, 0.0061%; no homozygotes.

Submission:

Labcorp Genetics (formerly Invitae), Labcorp
Classification: Uncertain significance. Last evaluated: 2025-07-20. Review status: criteria provided, single submitter. Criteria: Invitae Variant Classification Sherloc (09022015). Collection method: clinical testing. Allele origin: germline.
Comment: This sequence change replaces arginine, which is basic and polar, with glycine, which is neutral and non-polar, at codon 1006 of the ERCC6L2 protein (p.Arg1006Gly). This variant is present in population databases (no rsID available, gnomAD 0.01%). This variant has not been reported in the literature in individuals affected with ERCC6L2-related conditions. ClinVar contains an entry for this variant (Variation ID: 1944879). Experimental studies and prediction algorithms are not available or were not evaluated, and the functional significance of this variant is currently unknown. In summary, the available evidence is currently insufficient to determine the role of this variant in disease. Therefore, it has been classified as a Variant of Uncertain Significance.

NM_020207.7(ERCC6L2):c.2983A>G (p.Arg995Gly)

Gene: ERCC6L2 (ERCC excision repair 6 like 2; plus strand). Cytogenetic location: 9q22.32.
Variant type: single nucleotide variant.
Coding change: c.2983A>G on transcript NM_020207.7 (MANE Select); coding-DNA position 2983, A replaced by G.
Protein change: p.Arg995Gly; replaces arginine 995 with glycine.
Molecular consequence: missense variant. On other transcripts: non-coding transcript variant (1).
Genome position (GRCh38, 1-based): chr9:95,972,734, A>G. VCF-style: chr9-95972734-A-G. GRCh37 (hg19) VCF-style: chr9-98735016-A-G.
Other names: c.2983A>G, p.Arg995Gly (NM_001375291.1, NM_001375292.1, NM_001375293.1 and 1 more transcripts); short protein forms R995G.
Identifiers: ClinVar variation 1944879 (VCV001944879.4), dbSNP rs1161447075, ClinGen allele CA589285449.